The following is an entry in ClinVar:

ClinVar aggregate classification (germline): Uncertain significance (1 of 4 stars; one submission).

Conditions:
Hereditary cancer-predisposing syndrome. Also called: Tumor predisposition; Neoplastic Syndromes, Hereditary; Hereditary neoplastic syndrome; Hereditary Cancer Syndrome. Identifiers: Orphanet 140162, MedGen C0027672, MeSH D009386, MONDO:0015356.

Submission:

Ambry Genetics
Classification: Uncertain significance for Hereditary cancer-predisposing syndrome. Last evaluated: 2024-08-01. Review status: criteria provided, single submitter. Criteria: Ambry Variant Classification Scheme 2023. Collection method: clinical testing. Allele origin: germline.
Comment: The c.696_700dupACCCC variant, located in coding exon 3 of the TMEM127 gene, results from a duplication of ACCCC at nucleotide position 696, causing a translational frameshift with a predicted alternate stop codon (p.P234Hfs*75). This alteration occurs at the 3' terminus of the TMEM127 gene, is not expected to trigger nonsense-mediated mRNA decay and results in the elongation of the protein by 68 amino acids. This frameshift impacts the last 5 amino acids of the native protein. The exact functional effect of the altered amino acids is unknown. Based on the available evidence, the clinical significance of this variant remains unclear.

NM_017849.4(TMEM127):c.696_700dup (p.Pro234fs)

Gene: TMEM127 (transmembrane protein 127; minus strand). Cytogenetic location: 2q11.2.
Variant type: Duplication.
Coding change: c.696_700dup on transcript NM_017849.4 (MANE Select); coding-DNA positions 696 to 700, 5 bases duplicated (ACCCC; older notation c.696_700dupACCCC).
Protein change: p.Pro234fs; shifts the reading frame from proline 234.
Molecular consequence: frameshift variant.
Genome position (GRCh38, 1-based): chr2:96,253,825-96,253,829, GGGGT duplicated on the plus strand (ACCCC on the coding strand, the reverse complement: TMEM127 is on the minus strand); duplicating any 5 consecutive bases within chr2:96,253,825-96,253,831 gives the same sequence; the c. name uses the placement nearest the transcript's 3' end. VCF-style (leftmost placement, unchanged base first): chr2-96253824-G-GGGGGT. GRCh37 (hg19) VCF-style: chr2-96919562-G-GGGGGT.
Other names: c.696_700dup, p.Pro234fs (NM_001193304.3); c.444_448dup, p.Pro150fs (NM_001407282.1, NM_001407283.1); c.696_700dupACCCC (NM_017849.3); short protein forms P150fs, P234fs.
Identifiers: ClinVar variation 3457597 (VCV003457597.1).